The following is an entry in ClinVar:

NM_013432.5(TONSL):c.1672C>T (p.Arg558Trp)

Genes: TONSL (tonsoku like, DNA repair protein; minus strand), TONSL-AS1 (TONSL antisense RNA 1; plus strand). Cytogenetic location: 8q24.3.
Variant type: single nucleotide variant.
Coding change: c.1672C>T on transcript NM_013432.5 (MANE Select); coding-DNA position 1672, C replaced by T.
Protein change: p.Arg558Trp; replaces arginine 558 with tryptophan.
Molecular consequence: missense variant.
Genome position (GRCh38, 1-based): chr8:144,437,081, G>A on the plus strand (C>T on the coding strand, the complement: TONSL is on the minus strand). VCF-style: chr8-144437081-G-A. GRCh37 (hg19) VCF-style: chr8-145662464-G-A.
Other names: c.1672C>T (NM_013432.4); short protein forms R558W.
Identifiers: ClinVar variation 1365191 (VCV001365191.7), dbSNP rs200628944, ClinGen allele CA4943106.
Genomic context (GRCh38, chr8:144,437,081, plus strand): 5'-GCTCACCTAGATGCCCGTAGTTGCAGGCCTCGTGCAGAGGTGTCCAGCCACAGTAGTCCC[G>A]AGGGTTAAGGGGGTGGCCCTGTGACCAAGGACAGGAAGGAGCCTGGCCCTGTGTACCTCA-3'
Protein context (NP_038460.4, residues 548-568): LVRQGHPLNP[Arg558Trp]DYCGWTPLHE

ClinVar aggregate classification (germline): Uncertain significance. Review status: criteria provided, multiple submitters, no conflicts (2 of 4 stars). 2 submissions from 2 submitters: Uncertain significance (2). Last evaluated 2026-01-12.

Conditions:
Inborn genetic diseases. Identifiers: MedGen C0950123, MeSH D030342.

Allele frequency attached by ClinVar (database versions not stated): ExAC 0.00004; gnomAD exomes 0.00004 and 0.00006; 1000 Genomes Project 0.00020; 1000 Genomes Project 30x 0.00031.
gnomAD v4.1: 59 of 1,613,094 alleles (0.0037%); highest among the groups gnomAD compares: East Asian, 0.033%; no homozygotes.

Submissions (2):

Labcorp Genetics (formerly Invitae), Labcorp
Classification: Uncertain significance. Last evaluated: 2026-01-12. Review status: criteria provided, single submitter. Criteria: Invitae Variant Classification Sherloc (09022015). Collection method: clinical testing. Allele origin: germline.
Comment: This sequence change replaces arginine, which is basic and polar, with tryptophan, which is neutral and slightly polar, at codon 558 of the TONSL protein (p.Arg558Trp). This variant is present in population databases (rs200628944, gnomAD 0.06%). This variant has not been reported in the literature in individuals affected with TONSL-related conditions. ClinVar contains an entry for this variant (Variation ID: 1365191). Invitae Evidence Modeling of protein sequence and biophysical properties (such as structural, functional, and spatial information, amino acid conservation, physicochemical variation, residue mobility, and thermodynamic stability) indicates that this missense variant is expected to disrupt TONSL protein function with a positive predictive value of 80%. Algorithms developed to predict the effect of sequence changes on RNA splicing suggest that this variant may disrupt the consensus splice site. In summary, the available evidence is currently insufficient to determine the role of this variant in disease. Therefore, it has been classified as a Variant of Uncertain Significance.

Ambry Genetics
Classification: Uncertain significance for Inborn genetic diseases. Last evaluated: 2023-09-22. Review status: criteria provided, single submitter. Criteria: Ambry Variant Classification Scheme 2023. Collection method: clinical testing. Allele origin: germline.